The following is an entry in ClinVar:

ClinVar aggregate classification (germline): Uncertain significance (1 of 4 stars; one submission).

Allele frequency attached by ClinVar (database versions not stated): ExAC 0.00002.
gnomAD v4.1: 10 of 1,601,816 alleles (0.00062%); highest among the groups gnomAD compares: South Asian, 0.011%; no homozygotes.

Submission:

Labcorp Genetics (formerly Invitae), Labcorp
Classification: Uncertain significance. Last evaluated: 2025-04-07. Review status: criteria provided, single submitter. Criteria: Invitae Variant Classification Sherloc (09022015). Collection method: clinical testing. Allele origin: germline.
Comment: This sequence change replaces aspartic acid, which is acidic and polar, with histidine, which is basic and polar, at codon 737 of the GUCY2C protein (p.Asp737His). This variant is present in population databases (rs755364322, gnomAD 0.006%). This variant has not been reported in the literature in individuals affected with GUCY2C-related conditions. ClinVar contains an entry for this variant (Variation ID: 2840574). Invitae Evidence Modeling of protein sequence and biophysical properties (such as structural, functional, and spatial information, amino acid conservation, physicochemical variation, residue mobility, and thermodynamic stability) indicates that this missense variant is expected to disrupt GUCY2C protein function with a positive predictive value of 80%. In summary, the available evidence is currently insufficient to determine the role of this variant in disease. Therefore, it has been classified as a Variant of Uncertain Significance.

NM_004963.4(GUCY2C):c.2209G>C (p.Asp737His)

Gene: GUCY2C (guanylate cyclase 2C; minus strand). Cytogenetic location: 12p12.3.
Variant type: single nucleotide variant.
Coding change: c.2209G>C on transcript NM_004963.4 (MANE Select); coding-DNA position 2209, G replaced by C.
Protein change: p.Asp737His; replaces aspartic acid 737 with histidine.
Molecular consequence: missense variant.
Genome position (GRCh38, 1-based): chr12:14,628,686, C>G on the plus strand (G>C on the coding strand, the complement: GUCY2C is on the minus strand). VCF-style: chr12-14628686-C-G. GRCh37 (hg19) VCF-style: chr12-14781620-C-G.
Other names: short protein forms D737H.
Identifiers: ClinVar variation 2840574 (VCV002840574.3), dbSNP rs755364322, ClinGen allele CA6463137.